The following is an entry in ClinVar:

NM_004320.6(ATP2A1):c.1852G>A (p.Gly618Arg)

Gene: ATP2A1 (ATPase sarcoplasmic/endoplasmic reticulum Ca2+ transporting 1; plus strand). Cytogenetic location: 16p11.2.
Variant type: single nucleotide variant.
Coding change: c.1852G>A on transcript NM_004320.6 (MANE Select); coding-DNA position 1852, G replaced by A.
Protein change: p.Gly618Arg; replaces glycine 618 with arginine.
Molecular consequence: missense variant.
Genome position (GRCh38, 1-based): chr16:28,900,668, G>A. VCF-style: chr16-28900668-G-A. GRCh37 (hg19) VCF-style: chr16-28911989-G-A.
Other names: c.1477G>A, p.Gly493Arg (NM_001286075.2); c.1852G>A, p.Gly618Arg (NM_173201.5); short protein forms G618R, G493R.
Identifiers: ClinVar variation 464079 (VCV000464079.8), dbSNP rs781065366, ClinGen allele CA7987102.

ClinVar aggregate classification (germline): Uncertain significance (1 of 4 stars; one submission).

Conditions:
Brody myopathy. Also called: BRODY DISEASE. Identifiers: Orphanet 53347, MedGen C1832918, MONDO:0010977, OMIM 601003.

Allele frequency attached by ClinVar (database versions not stated): gnomAD 0.00001; TOPMed 0.00001; gnomAD exomes 0.00004 and 0.00005; ExAC 0.00006.
gnomAD v4.1: 55 of 1,610,134 alleles (0.0034%); highest among the groups gnomAD compares: East Asian, 0.029%; no homozygotes.

Submission:

Labcorp Genetics (formerly Invitae), Labcorp
Classification: Uncertain significance for Brody myopathy. Last evaluated: 2022-06-03. Review status: criteria provided, single submitter. Criteria: Invitae Variant Classification Sherloc (09022015). Collection method: clinical testing. Allele origin: germline.
Comment: This sequence change replaces glycine, which is neutral and non-polar, with arginine, which is basic and polar, at codon 618 of the ATP2A1 protein (p.Gly618Arg). This variant is present in population databases (rs781065366, gnomAD 0.05%). This variant has not been reported in the literature in individuals affected with ATP2A1-related conditions. ClinVar contains an entry for this variant (Variation ID: 464079). Algorithms developed to predict the effect of missense changes on protein structure and function are either unavailable or do not agree on the potential impact of this missense change (SIFT: "Deleterious"; PolyPhen-2: "Probably Damaging"; Align-GVGD: "Class C15"). Algorithms developed to predict the effect of sequence changes on RNA splicing suggest that this variant may create or strengthen a splice site. In summary, the available evidence is currently insufficient to determine the role of this variant in disease. Therefore, it has been classified as a Variant of Uncertain Significance.